The following is an entry in ClinVar:

ClinVar aggregate classification (germline): Uncertain significance. Review status: criteria provided, single submitter (1 of 4 stars). 2 submissions from 2 submitters: Uncertain significance (1). 1 of the submissions does not count toward it. Last evaluated 2021-03-10.

Conditions:
Fanconi anemia (FA). Also called: Fanconi's anemia. Identifiers: Orphanet 84, MedGen C0015625, MeSH D005199, MONDO:0019391.

Submissions (2):

Labcorp Genetics (formerly Invitae), Labcorp
Classification: Uncertain significance for Fanconi anemia. Last evaluated: 2021-03-10. Review status: criteria provided, single submitter. Criteria: Invitae Variant Classification Sherloc (09022015). Collection method: clinical testing. Allele origin: germline.
Comment: In summary, the available evidence is currently insufficient to determine the role of this variant in disease. Therefore, it has been classified as a Variant of Uncertain Significance. Advanced modeling of protein sequence and biophysical properties (such as structural, functional, and spatial information, amino acid conservation, physicochemical variation, residue mobility, and thermodynamic stability) performed at Invitae indicates that this missense variant is not expected to disrupt FANCA protein function. This variant has not been reported in the literature in individuals with FANCA-related conditions. This variant is not present in population databases (ExAC no frequency). This sequence change replaces aspartic acid with glutamic acid at codon 1325 of the FANCA protein (p.Asp1325Glu). The aspartic acid residue is highly conserved and there is a small physicochemical difference between aspartic acid and glutamic acid.

Natera, Inc.
Classification: Uncertain significance for Fanconi anemia. Last evaluated: 2025-04-11. Review status: no assertion criteria provided. Collection method: clinical testing. Allele origin: germline. Not counted in ClinVar's aggregate classification.

NM_000135.4(FANCA):c.3975T>G (p.Asp1325Glu)

Genes: FANCA (FA complementation group A; minus strand), ZNF276 (zinc finger protein 276; plus strand). Cytogenetic location: 16q24.3.
Variant type: single nucleotide variant.
Coding change: c.3975T>G on transcript NM_000135.4 (MANE Select); coding-DNA position 3975, T replaced by G.
Protein change: p.Asp1325Glu; replaces aspartic acid 1325 with glutamic acid.
Molecular consequence: missense variant. On other transcripts: 3 prime UTR variant (2), non-coding transcript variant (4).
Genome position (GRCh38, 1-based): chr16:89,739,513, A>C on the plus strand (T>G on the coding strand, the complement: FANCA is on the minus strand). VCF-style: chr16-89739513-A-C. GRCh37 (hg19) VCF-style: chr16-89805921-A-C.
Other names: c.3975T>G, p.Asp1325Glu (NM_001286167.3); c.*1267A>C (NM_001113525.2, NM_152287.4); c.3975T>G (NM_000135.3); short protein forms D1325E.
Identifiers: ClinVar variation 1378162 (VCV001378162.9), dbSNP rs962823945, ClinGen allele CA286614901.